The following is an entry in ClinVar:

ClinVar aggregate classification (germline): Uncertain significance (1 of 4 stars; one submission).

gnomAD v4.1: 44 of 1,304,674 alleles (0.0034%); highest among the groups gnomAD compares: Non-Finnish European, 0.0029%; no homozygotes.

Submission:

GeneDx
Classification: Uncertain significance. Last evaluated: 2023-07-21. Review status: criteria provided, single submitter. Criteria: GeneDx Variant Classification Process June 2021. Collection method: clinical testing. Allele origin: germline. Affected: yes.
Comment: In silico analysis supports that this missense variant does not alter protein structure/function; Has not been previously published as pathogenic or benign to our knowledge

NM_001039111.3(TRIM71):c.508G>C (p.Ala170Pro)

Gene: TRIM71 (tripartite motif containing 71; plus strand). Cytogenetic location: 3p22.3.
Variant type: single nucleotide variant.
Coding change: c.508G>C on transcript NM_001039111.3 (MANE Select); coding-DNA position 508, G replaced by C.
Protein change: p.Ala170Pro; replaces alanine 170 with proline.
Molecular consequence: missense variant.
Genome position (GRCh38, 1-based): chr3:32,818,588, G>C. VCF-style: chr3-32818588-G-C. GRCh37 (hg19) VCF-style: chr3-32860080-G-C.
Other names: short protein forms A170P.
Identifiers: ClinVar variation 3361428 (VCV003361428.1).
Genomic context (GRCh38, chr3:32,818,588, plus strand): 5'-CGGCACCACGCTCACCACGCGCACCCGCGCGCGTCCGCCTCCGCGCCGCCACTCCCGCAG[G>C]CGCCGCAGCCGCCCGCGCCTTCCCGCTCGGCACCCGGCGGCCCTGCCGCTTCCCCGTCGG-3'
Protein context (NP_001034200.1, residues 160-180): ASASAPPLPQ[Ala170Pro]PQPPAPSRSA